The following is an entry in ClinVar:

ClinVar aggregate classification (germline): Uncertain significance. Review status: criteria provided, multiple submitters, no conflicts (2 of 4 stars). 4 submissions from 4 submitters: Uncertain significance (4). Last evaluated 2026-05-18.

Conditions:
TRPV4-related disorder. Also called: TRPV4-related condition; TRPV4-related disorders.
Inborn genetic diseases. Identifiers: MedGen C0950123, MeSH D030342.
Charcot-Marie-Tooth disease axonal type 2C (HMSN2C). Also called: Charcot-Marie-Tooth Disease Type 2, TRPV4-Related (CMT2C); CHARCOT-MARIE-TOOTH DISEASE, AXONAL, AUTOSOMAL DOMINANT, TYPE 2C; Charcot-Marie-Tooth Neuropathy Type 2C. Identifiers: Orphanet 99937, MedGen C1853710, MONDO:0011633, OMIM 606071.

Allele frequency attached by ClinVar (database versions not stated): TOPMed 0.00002; ExAC 0.00003; gnomAD 0.00003 and 0.00004; gnomAD exomes 0.00004; 1000 Genomes Project 0.00020; 1000 Genomes Project 30x 0.00031.
gnomAD v4.1: 60 of 1,602,532 alleles (0.0037%); highest among the groups gnomAD compares: South Asian, 0.019%; 1 homozygote.

Submissions (4):

PreventionGenetics, part of Exact Sciences
Classification: Uncertain significance for TRPV4-related condition. Last evaluated: 2026-05-18. Review status: criteria provided, single submitter. Criteria: ACMG Guidelines, 2015. Collection method: clinical testing. Allele origin: germline.
Comment: The TRPV4 c.1496C>T variant is predicted to result in the amino acid substitution p.Pro499Leu. This variant has been reported as a variant of uncertain significance in an individual with amyotrophic lateral sclerosis (Pensato et al. 2020. PubMed ID: 32028661). This variant is reported in 0.0096% of alleles in individuals of Latino descent in gnomAD. At this time, the clinical significance of this variant is uncertain due to the absence of conclusive functional and genetic evidence.

Labcorp Genetics (formerly Invitae), Labcorp
Classification: Uncertain significance for Charcot-Marie-Tooth disease axonal type 2C. Last evaluated: 2025-11-04. Review status: criteria provided, single submitter. Criteria: Invitae Variant Classification Sherloc (09022015). Collection method: clinical testing. Allele origin: germline.
Comment: This sequence change replaces proline, which is neutral and non-polar, with leucine, which is neutral and non-polar, at codon 499 of the TRPV4 protein (p.Pro499Leu). This variant is present in population databases (rs115358347, gnomAD 0.007%). This missense change has been observed in individual(s) with clinical features of spondylometaphyseal dysplasia (internal data). ClinVar contains an entry for this variant (Variation ID: 967722). Invitae Evidence Modeling of protein sequence and biophysical properties (such as structural, functional, and spatial information, amino acid conservation, physicochemical variation, residue mobility, and thermodynamic stability) has been performed for this missense variant. However, the output from this modeling did not meet the statistical confidence thresholds required to predict the impact of this variant on TRPV4 protein function. In summary, the available evidence is currently insufficient to determine the role of this variant in disease. Therefore, it has been classified as a Variant of Uncertain Significance.

Revvity Omics, Revvity
Classification: Uncertain significance. Last evaluated: 2023-05-24. Review status: criteria provided, single submitter. Criteria: ACMG Guidelines, 2015. Collection method: clinical testing. Allele origin: germline.

Ambry Genetics
Classification: Uncertain significance for Inborn genetic diseases. Last evaluated: 2019-12-23. Review status: criteria provided, single submitter. Criteria: Ambry Variant Classification Scheme 2023. Collection method: clinical testing. Allele origin: germline.
Comment: The p.P499L variant (also known as c.1496C>T), located in coding exon 8 of the TRPV4 gene, results from a C to T substitution at nucleotide position 1496. The proline at codon 499 is replaced by leucine, an amino acid with similar properties. This amino acid position is well conserved in available vertebrate species. In addition, the in silico prediction for this alteration is inconclusive. Since supporting evidence is limited at this time, the clinical significance of this alteration remains unclear.

NM_021625.5(TRPV4):c.1496C>T (p.Pro499Leu)

Gene: TRPV4 (transient receptor potential cation channel subfamily V member 4; minus strand). Cytogenetic location: 12q24.11.
Variant type: single nucleotide variant.
Coding change: c.1496C>T on transcript NM_021625.5 (MANE Select); coding-DNA position 1496, C replaced by T.
Protein change: p.Pro499Leu; replaces proline 499 with leucine.
Molecular consequence: missense variant.
Genome position (GRCh38, 1-based): chr12:109,794,018, G>A on the plus strand (C>T on the coding strand, the complement: TRPV4 is on the minus strand). VCF-style: chr12-109794018-G-A. GRCh37 (hg19) VCF-style: chr12-110231823-G-A.
Other names: c.1355C>T, p.Pro452Leu (NM_001177428.2); c.1394C>T, p.Pro465Leu (NM_001177431.2); c.1175C>T, p.Pro392Leu (NM_001177433.2); c.1316C>T, p.Pro439Leu (NM_147204.3); short protein forms P392L, P439L, P452L, P465L, P499L.
Identifiers: ClinVar variation 967722 (VCV000967722.14), dbSNP rs115358347, ClinGen allele CA6780207.